The following is an entry in ClinVar:

ClinVar aggregate classification (germline): Uncertain significance (1 of 4 stars; one submission).

Submission:

GeneDx
Classification: Uncertain significance. Last evaluated: 2020-02-25. Review status: criteria provided, single submitter. Criteria: GeneDx Variant Classification Process June 2021. Collection method: clinical testing. Allele origin: germline. Affected: yes.
Comment: Not observed in large population cohorts (Lek et al., 2016); In silico analysis supports that this missense variant has a deleterious effect on protein structure/function; Has not been previously published as pathogenic or benign to our knowledge

NM_002334.4(LRP4):c.3179G>T (p.Arg1060Leu)

Gene: LRP4 (LDL receptor related protein 4; minus strand). Cytogenetic location: 11p11.2.
Variant type: single nucleotide variant.
Coding change: c.3179G>T on transcript NM_002334.4 (MANE Select); coding-DNA position 3179, G replaced by T.
Protein change: p.Arg1060Leu; replaces arginine 1060 with leucine.
Molecular consequence: missense variant.
Genome position (GRCh38, 1-based): chr11:46,877,297, C>A on the plus strand (G>T on the coding strand, the complement: LRP4 is on the minus strand). VCF-style: chr11-46877297-C-A. GRCh37 (hg19) VCF-style: chr11-46898848-C-A.
Other names: short protein forms R1060L.
Identifiers: ClinVar variation 1314231 (VCV001314231.2), dbSNP rs1941046156, ClinGen allele CA380275575.